The following is an entry in ClinVar:

ClinVar aggregate classification (germline): Uncertain significance. Review status: criteria provided, single submitter (1 of 4 stars). 3 submissions from 3 submitters: Uncertain significance (1). 2 of the submissions do not count toward it. Last evaluated 2022-10-18.

Allele frequency attached by ClinVar (database versions not stated): ExAC 0.00010; gnomAD exomes 0.00010 and 0.00037; ESP Exome Variant Server 0.00015; TOPMed 0.00020; gnomAD 0.00023 and 0.00024.

Submissions (3):

Labcorp Genetics (formerly Invitae), Labcorp
Classification: Uncertain significance. Last evaluated: 2022-10-18. Review status: criteria provided, single submitter. Criteria: Invitae Variant Classification Sherloc (09022015). Collection method: clinical testing. Allele origin: germline.
Comment: This sequence change replaces asparagine, which is neutral and polar, with threonine, which is neutral and polar, at codon 194 of the C1QA protein (p.Asn194Thr). This variant is present in population databases (rs201816009, gnomAD 0.02%). This variant has not been reported in the literature in individuals affected with C1QA-related conditions. ClinVar contains an entry for this variant (Variation ID: 1299821). Algorithms developed to predict the effect of missense changes on protein structure and function (SIFT, PolyPhen-2, Align-GVGD) all suggest that this variant is likely to be tolerated. In summary, the available evidence is currently insufficient to determine the role of this variant in disease. Therefore, it has been classified as a Variant of Uncertain Significance.

Clinical Genetics DNA and cytogenetics Diagnostics Lab, Erasmus MC, Erasmus Medical Center
Classification: Likely benign. Review status: no assertion criteria provided. Collection method: clinical testing. Allele origin: germline. Affected: yes. Study: VKGL Data-share Consensus. Not counted in ClinVar's aggregate classification.

Genome Diagnostics Laboratory, University Medical Center Utrecht
Classification: Likely benign. Review status: no assertion criteria provided. Collection method: clinical testing. Allele origin: germline. Affected: yes. Study: VKGL Data-share Consensus. Not counted in ClinVar's aggregate classification.

NM_015991.4(C1QA):c.581A>C (p.Asn194Thr)

Gene: C1QA (complement C1q A chain; plus strand). Cytogenetic location: 1p36.12.
Variant type: single nucleotide variant.
Coding change: c.581A>C on transcript NM_015991.4 (MANE Select); coding-DNA position 581, A replaced by C.
Protein change: p.Asn194Thr; replaces asparagine 194 with threonine.
Molecular consequence: missense variant.
Genome position (GRCh38, 1-based): chr1:22,639,250, A>C. VCF-style: chr1-22639250-A-C. GRCh37 (hg19) VCF-style: chr1-22965743-A-C.
Other names: c.581A>C, p.Asn194Thr (NM_001347465.2, NM_001347466.2); short protein forms N194T.
Identifiers: ClinVar variation 1299821 (VCV001299821.4), dbSNP rs201816009, ClinGen allele CA677799.
Genomic context (GRCh38, chr1:22,639,250, plus strand): 5'-CCATCGTCTCCTCCTCAAGGGGCCAGGTCCGACGCTCCCTGGGCTTCTGTGACACCACCA[A>C]CAAGGGGCTCTTCCAGGTGGTGTCAGGGGGCATGGTGCTTCAGCTGCAGCAGGGTGACCA-3'
Protein context (NP_057075.1, residues 184-204): RRSLGFCDTT[Asn194Thr]KGLFQVVSGG